The following is an entry in ClinVar:

ClinVar aggregate classification (germline): Uncertain significance. Review status: criteria provided, multiple submitters, no conflicts (2 of 4 stars). 3 submissions from 3 submitters: Uncertain significance (3). Last evaluated 2025-03-22.

Conditions:
Dyskeratosis congenita, autosomal dominant 2. Identifiers: MedGen C3151443, MONDO:0013521, OMIM 613989.
Dyskeratosis congenita. Identifiers: Orphanet 1775, MedGen C0265965, MONDO:0015780.
Idiopathic Pulmonary Fibrosis. Also called: Idiopathic fibrosing alveolitis, chronic form; idiopathic fibrosing alveolitis. Identifiers: Orphanet 2032, MedGen C1800706, MeSH D054990, MONDO:0800504.

Allele frequency attached by ClinVar (database versions not stated): TOPMed 0.00001.
gnomAD v4.1: 8 of 1,594,334 alleles (0.0005%); highest among the groups gnomAD compares: Non-Finnish European, 0.00059%; no homozygotes.

Submissions (3):

Ambry Genetics
Classification: Uncertain significance for Dyskeratosis congenita. Last evaluated: 2025-03-22. Review status: criteria provided, single submitter. Criteria: Ambry Variant Classification Scheme 2023. Collection method: clinical testing. Allele origin: germline.
Comment: The p.G198R variant (also known as c.592G>C), located in coding exon 2 of the TERT gene, results from a G to C substitution at nucleotide position 592. The glycine at codon 198 is replaced by arginine, an amino acid with dissimilar properties. This amino acid position is conserved. In addition, the in silico prediction for this alteration is inconclusive. Based on the available evidence, the clinical significance of this variant remains unclear.

Labcorp Genetics (formerly Invitae), Labcorp
Classification: Uncertain significance for Dyskeratosis congenita, autosomal dominant 2; Idiopathic Pulmonary Fibrosis. Last evaluated: 2024-03-06. Review status: criteria provided, single submitter. Criteria: Invitae Variant Classification Sherloc (09022015). Collection method: clinical testing. Allele origin: germline.
Comment: This sequence change replaces glycine, which is neutral and non-polar, with arginine, which is basic and polar, at codon 198 of the TERT protein (p.Gly198Arg). This variant is not present in population databases (gnomAD no frequency). This variant has not been reported in the literature in individuals affected with TERT-related conditions. ClinVar contains an entry for this variant (Variation ID: 410688). Advanced modeling of protein sequence and biophysical properties (such as structural, functional, and spatial information, amino acid conservation, physicochemical variation, residue mobility, and thermodynamic stability) performed at Invitae indicates that this missense variant is not expected to disrupt TERT protein function with a negative predictive value of 80%. In summary, the available evidence is currently insufficient to determine the role of this variant in disease. Therefore, it has been classified as a Variant of Uncertain Significance.

Baylor Genetics
Classification: Uncertain significance for Dyskeratosis congenita, autosomal dominant 2. Last evaluated: 2023-08-30. Review status: criteria provided, single submitter. Criteria: ACMG Guidelines, 2015. Collection method: clinical testing. Allele origin: unknown.

NM_198253.3(TERT):c.592G>C (p.Gly198Arg)

Gene: TERT (telomerase reverse transcriptase; minus strand). Cytogenetic location: 5p15.33.
Variant type: single nucleotide variant.
Coding change: c.592G>C on transcript NM_198253.3 (MANE Select); coding-DNA position 592, G replaced by C.
Protein change: p.Gly198Arg; replaces glycine 198 with arginine.
Molecular consequence: missense variant. On other transcripts: non-coding transcript variant (2).
Genome position (GRCh38, 1-based): chr5:1,294,294, C>G on the plus strand (G>C on the coding strand, the complement: TERT is on the minus strand). VCF-style: chr5-1294294-C-G. GRCh37 (hg19) VCF-style: chr5-1294409-C-G.
Other names: c.592G>C, p.Gly198Arg (NM_001193376.3); short protein forms G198R.
Identifiers: ClinVar variation 410688 (VCV000410688.11), dbSNP rs758442518, ClinGen allele CA16611795.
Genomic context (GRCh38, chr5:1,294,294, plus strand): 5'-CTGGCAGGCCCAGGGGGACCCCGGCCTCCCTGACGCTATGGTTCCAGGCCCGTTCGCATC[C>G]CAGACGCCTTCGGGGTCCACTAGCGTGTGGCGGGGGCCGGGCCTGAGTGGCAGCGCCGAG-3'
Protein context (NP_937983.2, residues 188-208): PHASGPRRRL[Gly198Arg]CERAWNHSVR